The following is an entry in ClinVar:

ClinVar aggregate classification (germline): Pathogenic. Review status: criteria provided, single submitter (1 of 4 stars). 2 submissions from 2 submitters: Pathogenic (1). 1 of the submissions does not count toward it. Last evaluated 2021-08-11.

Conditions:
Primary ciliary dyskinesia 19. Also called: CILIARY DYSKINESIA, PRIMARY, 19, WITH OR WITHOUT SITUS INVERSUS. Identifiers: Orphanet 244, MedGen C3543826, MONDO:0013979, OMIM 614935.

Allele frequency attached by ClinVar (database versions not stated): TOPMed below 0.00001; gnomAD exomes 0.00002; gnomAD 0.00003; ExAC 0.00004.
gnomAD v4.1: 36 of 1,613,710 alleles (0.0022%); highest among the groups gnomAD compares: Non-Finnish European, 0.0024%; no homozygotes.

Submissions (2):

Labcorp Genetics (formerly Invitae), Labcorp
Classification: Pathogenic for Primary ciliary dyskinesia 19. Last evaluated: 2021-08-11. Review status: criteria provided, single submitter. Criteria: Invitae Variant Classification Sherloc (09022015). Collection method: clinical testing. Allele origin: germline.
Comment: For these reasons, this variant has been classified as Pathogenic. ClinVar contains an entry for this variant (Variation ID: 66028). This premature translational stop signal has been observed in individual(s) with primary ciliary dyskinesia (PMID: 23891469). This variant is present in population databases (rs397515461, ExAC 0.03%). This sequence change creates a premature translational stop signal (p.Gln188*) in the LRRC6 gene. It is expected to result in an absent or disrupted protein product. Loss-of-function variants in LRRC6 are known to be pathogenic (PMID: 23122589).

OMIM
Classification: Pathogenic for CILIARY DYSKINESIA, PRIMARY, 19. Last evaluated: 2013-08-08. Review status: no assertion criteria provided. Collection method: literature only. Allele origin: germline. Not counted in ClinVar's aggregate classification.

Literature cited by the submitters: PubMed 23891469 (cited by Labcorp Genetics (formerly Invitae), Labcorp and OMIM); PubMed 23122589 (cited by Labcorp Genetics (formerly Invitae), Labcorp).

NM_012472.6(DNAAF11):c.562C>T (p.Gln188Ter)

Gene: DNAAF11 (dynein axonemal assembly factor 11; minus strand). Cytogenetic location: 8q24.22.
Variant type: single nucleotide variant.
Coding change: c.562C>T on transcript NM_012472.6 (MANE Select); coding-DNA position 562, C replaced by T.
Protein change: p.Gln188Ter; replaces glutamine 188 with a stop codon.
Molecular consequence: nonsense. On other transcripts: non-coding transcript variant (1).
Genome position (GRCh38, 1-based): chr8:132,632,831, G>A on the plus strand (C>T on the coding strand, the complement: DNAAF11 is on the minus strand). VCF-style: chr8-132632831-G-A. GRCh37 (hg19) VCF-style: chr8-133645077-G-A.
Other names: c.562C>T, p.Gln188Ter (NM_001321961.2); c.316C>T, p.Gln106Ter (NM_001321962.2); c.202C>T, p.Gln68Ter (NM_001321963.2, NM_001321964.2, NM_001321965.2 and 1 more transcripts); short protein forms Q188*, Q106*, Q68*.
Identifiers: ClinVar variation 66028 (VCV000066028.6), dbSNP rs397515461, ClinGen allele CA144829.